The following is an entry in ClinVar:

ClinVar aggregate classification (germline): Uncertain significance (1 of 4 stars; one submission).

Conditions:
Myasthenic syndrome, congenital, 22 (CMS22). Also called: PREPL DEFICIENCY. Identifiers: MedGen C4479088, MONDO:0044299, OMIM 616224.

gnomAD v4.1: 3 of 1,610,860 alleles (0.00019%); highest among the groups gnomAD compares: Non-Finnish European, 0.00025%; no homozygotes.

Submission:

Labcorp Genetics (formerly Invitae), Labcorp
Classification: Uncertain significance for Myasthenic syndrome, congenital, 22. Last evaluated: 2023-12-09. Review status: criteria provided, single submitter. Criteria: Invitae Variant Classification Sherloc (09022015). Collection method: clinical testing. Allele origin: germline.
Comment: This sequence change replaces threonine, which is neutral and polar, with serine, which is neutral and polar, at codon 331 of the PREPL protein (p.Thr331Ser). This variant is not present in population databases (gnomAD no frequency). This variant has not been reported in the literature in individuals affected with PREPL-related conditions. Advanced modeling of protein sequence and biophysical properties (such as structural, functional, and spatial information, amino acid conservation, physicochemical variation, residue mobility, and thermodynamic stability) performed at Invitae indicates that this missense variant is not expected to disrupt PREPL protein function with a negative predictive value of 80%. In summary, the available evidence is currently insufficient to determine the role of this variant in disease. Therefore, it has been classified as a Variant of Uncertain Significance.

NM_001171613.2(PREPL):c.725C>G (p.Thr242Ser)

Gene: PREPL (prolyl endopeptidase like; minus strand). Cytogenetic location: 2p21.
Variant type: single nucleotide variant.
Coding change: c.725C>G on transcript NM_001171613.2 (MANE Select); coding-DNA position 725, C replaced by G.
Protein change: p.Thr242Ser; replaces threonine 242 with serine.
Molecular consequence: missense variant. On other transcripts: intron variant (1).
Genome position (GRCh38, 1-based): chr2:44,338,514, G>C on the plus strand (C>G on the coding strand, the complement: PREPL is on the minus strand). VCF-style: chr2-44338514-G-C. GRCh37 (hg19) VCF-style: chr2-44565653-G-C.
Other names: c.992C>G, p.Thr331Ser (NM_001042386.2, NM_001171603.1, NM_001171606.2 and 3 more transcripts); c.725C>G, p.Thr242Ser (NM_001171617.1, NM_001374277.1); c.969+633C>G (NM_001042385.2); short protein forms T242S, T331S.
Identifiers: ClinVar variation 2724715 (VCV002724715.3), dbSNP rs766169730, ClinGen allele CA346691718.
Genomic context (GRCh38, chr2:44,338,514, plus strand): 5'-TCTATCACTTTTGTATTTCTCTTCATTGTAAAAAATAAATCCCAATTCATAATTGCAGGG[G>C]TATCAGCCGCTGTTCTCATTAGCTACGTGGAACAAAGTTAGAAGACATATAGGTAAGAAA-3'
Protein context (NP_001165084.1, residues 232-252): EFKLMRTAAD[Thr242Ser]PAIMNWDLFF